The following is an entry in ClinVar:

ClinVar aggregate classification (germline): Uncertain significance (1 of 4 stars; one submission).

Conditions:
Vici syndrome (VICIS). Identifiers: Orphanet 1493, MedGen C1855772, MONDO:0009452, OMIM 242840.

Submission:

Victorian Clinical Genetics Services, Murdoch Childrens Research Institute
Classification: Uncertain significance for Vici syndrome. Last evaluated: 2025-03-24. Review status: criteria provided, single submitter. Criteria: ACMG Guidelines, 2015. Collection method: clinical testing. Allele origin: germline. Affected: yes.
Comment: This variant is classified as VUS-3A. Evidence in support of pathogenic classification: Non-canonical splice site variant without proven consequence on splicing (no functional evidence available); Variant is absent from gnomAD (v2, v3 and v4); Abnormal splicing is predicted by in silico tool and affected nucleotide is highly conserved; Additional information: This variant is heterozygous; This gene is associated with autosomal recessive disease; Alternative nucleotide change(s) at the same non-canonical splice site are present in gnomAD (highest allele count: v4: 1 heterozygote(s), 0 homozygote(s); This variant has no previous evidence of pathogenicity; No published segregation evidence has been identified for this variant; No published functional evidence has been identified for this variant; No comparable non-canonical splice site variants have previous evidence for pathogenicity; Loss of function is a known mechanism of disease in this gene and is associated with Vici syndrome (MIM#242840).

NM_020964.3(EPG5):c.1571+6T>G

Gene: EPG5 (ectopic P-granules 5 autophagy tethering factor; minus strand). Cytogenetic location: 18q21.1.
Variant type: single nucleotide variant.
Coding change: c.1571+6T>G on transcript NM_020964.3 (MANE Select); 6 bases into the intron after coding-DNA position 1571, T replaced by G.
Molecular consequence: intron variant.
Genome position (GRCh38, 1-based): chr18:45,948,497, A>C on the plus strand (T>G on the coding strand, the complement: EPG5 is on the minus strand). VCF-style: chr18-45948497-A-C. GRCh37 (hg19) VCF-style: chr18-43528463-A-C.
Other names: c.1571+6T>G (NM_001410858.1, NM_001410859.1).
Identifiers: ClinVar variation 4531693 (VCV004531693.1).